The following is an entry in ClinVar:

ClinVar aggregate classification (germline): Conflicting classifications of pathogenicity. Review status: criteria provided, conflicting classifications (1 of 4 stars). 5 submissions from 5 submitters: Uncertain significance (1); Benign (1); Likely benign (3). Last evaluated 2026-01-25.

Allele frequency attached by ClinVar (database versions not stated): ESP Exome Variant Server 0.00038; TOPMed 0.00060; gnomAD exomes 0.00076 and 0.00085; gnomAD 0.00078 and 0.00083; ExAC 0.00098.
gnomAD v4.1: 1,234 of 1,613,840 alleles (0.076%); highest among the groups gnomAD compares: Middle Eastern, 0.28%; 2 homozygotes.

Submissions (5):

Labcorp Genetics (formerly Invitae), Labcorp
Classification: Benign. Last evaluated: 2026-01-25. Review status: criteria provided, single submitter. Criteria: Invitae Variant Classification Sherloc (09022015). Collection method: clinical testing. Allele origin: germline.

CeGaT Center for Human Genetics Tuebingen
Classification: Likely benign. Last evaluated: 2025-09-01. Review status: criteria provided, single submitter. Criteria: CeGaT Center For Human Genetics Tuebingen Variant Classification Criteria Version 2. Collection method: clinical testing. Allele origin: germline. Affected: yes. Observed: 5 variant alleles.
Comment: DCHS1: BP4

GeneDx
Classification: Likely benign. Last evaluated: 2021-04-27. Review status: criteria provided, single submitter. Criteria: GeneDx Variant Classification Process June 2021. Collection method: clinical testing. Allele origin: germline. Affected: yes.

Institute for Genomic Medicine (IGM) Clinical Laboratory, Nationwide Children's Hospital
Classification: Likely benign. Last evaluated: 2017-06-20. Review status: criteria provided, single submitter. Criteria: ACMG Guidelines, 2015. Collection method: clinical testing. Allele origin: germline.
Comment: BS2, BP4.

Center for Pediatric Genomic Medicine, Children's Mercy Hospital and Clinics
Classification: Uncertain significance. Last evaluated: 2017-05-08. Review status: criteria provided, single submitter. Criteria: ACMG Guidelines, 2015. Collection method: clinical testing. Allele origin: germline.

NM_003737.4(DCHS1):c.1546G>A (p.Ala516Thr)

Gene: DCHS1 (dachsous cadherin-related 1; minus strand). Cytogenetic location: 11p15.4.
Variant type: single nucleotide variant.
Coding change: c.1546G>A on transcript NM_003737.4 (MANE Select); coding-DNA position 1546, G replaced by A.
Protein change: p.Ala516Thr; replaces alanine 516 with threonine.
Molecular consequence: missense variant.
Genome position (GRCh38, 1-based): chr11:6,640,068, C>T on the plus strand (G>A on the coding strand, the complement: DCHS1 is on the minus strand). VCF-style: chr11-6640068-C-T. GRCh37 (hg19) VCF-style: chr11-6661299-C-T.
Other names: short protein forms A516T.
Identifiers: ClinVar variation 444244 (VCV000444244.56), dbSNP rs142972252, ClinGen allele CA5860943.
Genomic context (GRCh38, chr11:6,640,068, plus strand): 5'-GTGAGGCAGCCGTAGTGATAATGCCTGAGGTGGGGTCAATGGAGAACCAGTGGGTGTGGG[C>T]GCCAGGGGCTAGGCTATAAGTGACCTGACCATTGGTGCCTTGGTCAGGATCCCGAGCAGT-3'
Protein context (NP_003728.1, residues 506-526): GQVTYSLAPG[Ala516Thr]HTHWFSIDPT